The following is an entry in ClinVar:

ClinVar aggregate classification (germline): Uncertain significance (1 of 4 stars; one submission).

Conditions:
Left ventricular noncompaction 1 (LVNC1). Also called: LEFT VENTRICULAR NONCOMPACTION 1 WITH OR WITHOUT CONGENITAL HEART DEFECTS. Identifiers: Orphanet 54260, MedGen C1858725, MONDO:0011403, OMIM 604169.

Allele frequency attached by ClinVar (database versions not stated): gnomAD exomes below 0.00001; TOPMed below 0.00001; ExAC 0.00002.
gnomAD v4.1: 3 of 1,614,072 alleles (0.00019%); highest among the groups gnomAD compares: South Asian, 0.0022%; no homozygotes.

Submission:

Labcorp Genetics (formerly Invitae), Labcorp
Classification: Uncertain significance for Left ventricular noncompaction 1. Last evaluated: 2022-10-10. Review status: criteria provided, single submitter. Criteria: Invitae Variant Classification Sherloc (09022015). Collection method: clinical testing. Allele origin: germline.
Comment: This variant is present in population databases (rs757320859, gnomAD 0.006%). This sequence change replaces methionine, which is neutral and non-polar, with threonine, which is neutral and polar, at codon 690 of the DTNA protein (p.Met690Thr). This variant has not been reported in the literature in individuals affected with DTNA-related conditions. Algorithms developed to predict the effect of missense changes on protein structure and function output the following: SIFT: "Tolerated"; PolyPhen-2: "Benign"; Align-GVGD: "Class C0". The threonine amino acid residue is found in multiple mammalian species, which suggests that this missense change does not adversely affect protein function. In summary, the available evidence is currently insufficient to determine the role of this variant in disease. Therefore, it has been classified as a Variant of Uncertain Significance.

NM_001386795.1(DTNA):c.2150T>C (p.Met717Thr)

Gene: DTNA (dystrobrevin alpha; plus strand). Cytogenetic location: 18q12.1.
Variant type: single nucleotide variant.
Coding change: c.2150T>C on transcript NM_001386795.1 (MANE Select); coding-DNA position 2150, T replaced by C.
Protein change: p.Met717Thr; replaces methionine 717 with threonine.
Molecular consequence: missense variant.
Genome position (GRCh38, 1-based): chr18:34,879,707, T>C. VCF-style: chr18-34879707-T-C. GRCh37 (hg19) VCF-style: chr18-32459671-T-C.
Other names: c.1889T>C, p.Met630Thr (NM_001198938.2, NM_001198940.2, NM_001386753.1 and 5 more transcripts); c.1910T>C, p.Met637Thr (NM_001198939.2); c.1196T>C, p.Met399Thr (NM_001198942.1); c.1139T>C, p.Met380Thr (NM_001198943.1); c.1025T>C, p.Met342Thr (NM_001198944.1); c.1979T>C, p.Met660Thr (NM_001386754.1, NM_001386755.1, NM_001386756.1 and 3 more transcripts); c.1976T>C, p.Met659Thr (NM_001386760.1); c.1898T>C, p.Met633Thr (NM_001386761.1, NM_032975.4); and 5 more; short protein forms M342T, M399T, M630T, M637T, M659T, M660T, M690T, M717T.
Identifiers: ClinVar variation 1948869 (VCV001948869.5), dbSNP rs757320859, ClinGen allele CA8935939.